The following is an entry in ClinVar:

NM_019842.4(KCNQ5):c.14A>G (p.His5Arg)

Genes: KCNQ5 (potassium voltage-gated channel subfamily Q member 5; plus strand), KCNQ5-DT (KCNQ5 divergent transcript; minus strand), LOC129996711 (ATAC-STARR-seq lymphoblastoid silent region 17329; plus strand). Cytogenetic location: 6q13.
Variant type: single nucleotide variant.
Coding change: c.14A>G on transcript NM_019842.4 (MANE Select); coding-DNA position 14, A replaced by G.
Protein change: p.His5Arg; replaces histidine 5 with arginine.
Molecular consequence: missense variant.
Genome position (GRCh38, 1-based): chr6:72,622,203, A>G. VCF-style: chr6-72622203-A-G. GRCh37 (hg19) VCF-style: chr6-73331931-A-G.
Other names: c.14A>G, p.His5Arg (NM_001160130.2, NM_001160132.2, NM_001160133.2 and 1 more transcripts); short protein forms H5R.
Identifiers: ClinVar variation 2573709 (VCV002573709.1), dbSNP rs2481564953, ClinGen allele CA364823974.
Genomic context (GRCh38, chr6:72,622,203, plus strand): 5'-CCCGCCGCAGGCGCTGGCGGCCCCCTCGCGGTGCCCGTGGTGATGCCATGCCCCGCCACC[A>G]CGCGGGAGGAGAGGAGGGCGGCGCCGCCGGGCTCTGGGTGAAGAGCGGCGCAGCGGCGGC-3'
Protein context (NP_062816.2, residues 1-15): MPRH[His5Arg]AGGEEGGAAG

ClinVar aggregate classification (germline): Uncertain significance (1 of 4 stars; one submission).

Allele frequency attached by ClinVar (database versions not stated): gnomAD exomes 0.00001.
gnomAD v4.1: 2 of 1,225,184 alleles (0.00016%); highest among the groups gnomAD compares: Non-Finnish European, 0.0002%; no homozygotes.

Submission:

GeneDx
Classification: Uncertain significance. Last evaluated: 2023-01-21. Review status: criteria provided, single submitter. Criteria: GeneDx Variant Classification Process June 2021. Collection method: clinical testing. Allele origin: germline. Affected: yes.
Comment: Not observed at significant frequency in large population cohorts (gnomAD); In silico analysis supports that this missense variant does not alter protein structure/function; Has not been previously published as pathogenic or benign to our knowledge